The following is an entry in ClinVar:

NM_130837.3(OPA1):c.610+359C>T

Gene: OPA1 (OPA1 mitochondrial dynamin like GTPase; plus strand). Cytogenetic location: 3q29.
Variant type: single nucleotide variant.
Coding change: c.610+359C>T on transcript NM_130837.3 (MANE Select); 359 bases into the intron after coding-DNA position 610, C replaced by T.
Molecular consequence: intron variant.
Genome position (GRCh38, 1-based): chr3:193,618,196, C>T. VCF-style: chr3-193618196-C-T. GRCh37 (hg19) VCF-style: chr3-193335985-C-T.
Other names: c.185-673C>T (NM_001354664.2); c.77-673C>T (NM_001354663.2); c.610+359C>T (NM_130834.3); c.557-673C>T (NM_130836.3, NM_015560.3); c.502+359C>T (NM_130835.3, NM_130832.3); c.449-673C>T (NM_130833.3, NM_130831.3).
Identifiers: ClinVar variation 4978773 (VCV004978773.1).

ClinVar aggregate classification (germline): Likely benign (1 of 4 stars; one submission).

Conditions:
OPA1-related disorder. Also called: OPA1-related condition; OPA1-related disorders.

gnomAD v4.1: 5 of 151,880 alleles (0.0033%); highest among the groups gnomAD compares: East Asian, 0.019%; no homozygotes.

Submission:

PreventionGenetics, part of Exact Sciences
Classification: Likely benign for OPA1-related condition. Last evaluated: 2026-05-14. Review status: criteria provided, single submitter. Criteria: ACMG Guidelines, 2015. Collection method: clinical testing. Allele origin: germline.
Comment: This variant is classified as likely benign based on ACMG/AMP sequence variant interpretation guidelines (Richards et al. 2015 PMID: 25741868, with internal and published modifications).